The following is an entry in ClinVar:

ClinVar aggregate classification (germline): Uncertain significance (1 of 4 stars; one submission).

gnomAD v4.1: 48 of 1,613,328 alleles (0.003%); highest among the groups gnomAD compares: Non-Finnish European, 0.004%; no homozygotes.

Submission:

Labcorp Genetics (formerly Invitae), Labcorp
Classification: Uncertain significance. Last evaluated: 2025-07-15. Review status: criteria provided, single submitter. Criteria: Invitae Variant Classification Sherloc (09022015). Collection method: clinical testing. Allele origin: germline.
Comment: This sequence change replaces phenylalanine, which is neutral and non-polar, with isoleucine, which is neutral and non-polar, at codon 764 of the MICAL1 protein (p.Phe764Ile). This variant is present in population databases (rs767030676, gnomAD 0.0009%). This variant has not been reported in the literature in individuals affected with MICAL1-related conditions. An algorithm developed to predict the effect of missense changes on protein structure and function (PolyPhen-2) suggests that this variant is likely to be disruptive. In summary, the available evidence is currently insufficient to determine the role of this variant in disease. Therefore, it has been classified as a Variant of Uncertain Significance.

NM_022765.4(MICAL1):c.2233T>A (p.Phe745Ile)

Gene: MICAL1 (microtubule associated monooxygenase, calponin and LIM domain containing 1; minus strand). Cytogenetic location: 6q21.
Variant type: single nucleotide variant.
Coding change: c.2233T>A on transcript NM_022765.4 (MANE Select); coding-DNA position 2233, T replaced by A.
Protein change: p.Phe745Ile; replaces phenylalanine 745 with isoleucine.
Molecular consequence: missense variant.
Genome position (GRCh38, 1-based): chr6:109,446,767, A>T on the plus strand (T>A on the coding strand, the complement: MICAL1 is on the minus strand). VCF-style: chr6-109446767-A-T. GRCh37 (hg19) VCF-style: chr6-109767970-A-T.
Other names: c.1975T>A, p.Phe659Ile (NM_001159291.2); c.2290T>A, p.Phe764Ile (NM_001286613.2); short protein forms F764I, F659I, F745I.
Identifiers: ClinVar variation 4738863 (VCV004738863.1).